The following is an entry in ClinVar:

NM_001243212.2(CCER2):c.428G>A (p.Arg143Lys)

Gene: CCER2 (coiled-coil glutamate rich protein 2; minus strand). Cytogenetic location: 19q13.2.
Variant type: single nucleotide variant.
Coding change: c.428G>A on transcript NM_001243212.2 (MANE Select); coding-DNA position 428, G replaced by A.
Protein change: p.Arg143Lys; replaces arginine 143 with lysine.
Molecular consequence: missense variant.
Genome position (GRCh38, 1-based): chr19:38,910,846, C>T on the plus strand (G>A on the coding strand, the complement: CCER2 is on the minus strand). VCF-style: chr19-38910846-C-T. GRCh37 (hg19) VCF-style: chr19-39401486-C-T.
Other names: short protein forms R143K.
Identifiers: ClinVar variation 3710138 (VCV003710138.2).
Genomic context (GRCh38, chr19:38,910,846, plus strand): 5'-CCTCCATTCTCTAGATGCCGCTGCCACAGGTCCTCAAAGGTCTCCATGGGCCCCCTCTTC[C>T]TCTCCTCCTTCTCCTCCTCCTCGTCCTCCTCCTGGTGGAGCTGGCGATGCCCTTGCATGC-3'
Protein context (NP_001230141.1, residues 133-153): EEDEEEEKEE[Arg143Lys]KRGPMETFED

ClinVar aggregate classification (germline): Uncertain significance (1 of 4 stars; one submission).

gnomAD v4.1: 72 of 1,527,492 alleles (0.0047%); highest among the groups gnomAD compares: African/African-American, 0.079%; no homozygotes.

Submission:

Labcorp Genetics (formerly Invitae), Labcorp
Classification: Uncertain significance. Last evaluated: 2024-02-23. Review status: criteria provided, single submitter. Criteria: Invitae Variant Classification Sherloc (09022015). Collection method: clinical testing. Allele origin: germline.
Comment: This sequence change replaces arginine, which is basic and polar, with lysine, which is basic and polar, at codon 143 of the CCER2 protein (p.Arg143Lys). The frequency data for this variant in the population databases is considered unreliable, as metrics indicate poor data quality at this position in the gnomAD database. This variant has not been reported in the literature in individuals affected with CCER2-related conditions. Algorithms developed to predict the effect of missense changes on protein structure and function output the following: SIFT: "Not Available"; PolyPhen-2: "Benign"; Align-GVGD: "Not Available". The lysine amino acid residue is found in multiple mammalian species, which suggests that this missense change does not adversely affect protein function. In summary, the available evidence is currently insufficient to determine the role of this variant in disease. Therefore, it has been classified as a Variant of Uncertain Significance.